The following is an entry in ClinVar:

NM_000038.6(APC):c.2959T>C (p.Ser987Pro)

Gene: APC (APC regulator of Wnt signaling pathway; plus strand). Cytogenetic location: 5q22.2.
Variant type: single nucleotide variant.
Coding change: c.2959T>C on transcript NM_000038.6 (MANE Select); coding-DNA position 2959, T replaced by C.
Protein change: p.Ser987Pro; replaces serine 987 with proline.
Molecular consequence: missense variant.
Genome position (GRCh38, 1-based): chr5:112,838,553, T>C. VCF-style: chr5-112838553-T-C. GRCh37 (hg19) VCF-style: chr5-112174250-T-C.
Other names: c.2959T>C, p.Ser987Pro (NM_001127510.3, NM_001354895.2, NM_001407450.1); c.2905T>C, p.Ser969Pro (NM_001127511.3); c.3013T>C, p.Ser1005Pro (NM_001354896.2, NM_001407447.1, NM_001407448.1 and 1 more transcripts); c.2989T>C, p.Ser997Pro (NM_001354897.2); c.2884T>C, p.Ser962Pro (NM_001354898.2); c.2875T>C, p.Ser959Pro (NM_001354899.2); c.2836T>C, p.Ser946Pro (NM_001354900.2); c.2782T>C, p.Ser928Pro (NM_001354901.2, NM_001407453.1); and 11 more; short protein forms S1015P, S827P, S904P, S969P, S987P, S997P, S858P, S896P.
Identifiers: ClinVar variation 2131915 (VCV002131915.4), dbSNP rs2149881124, ClinGen allele CA16027796.
Genomic context (GRCh38, chr5:112,838,553, plus strand): 5'-GTCAGTAGTAGTGATGGTTATGGTAAAAGAGGTCAAATGAAACCCTCGATTGAATCCTAT[T>C]CTGAAGATGATGAAAGTAAGTTTTGCAGTTATGGTCAATACCCAGCCGACCTAGCCCATA-3'
Protein context (NP_000029.2, residues 977-997): GQMKPSIESY[Ser987Pro]EDDESKFCSY

ClinVar aggregate classification (germline): Uncertain significance (1 of 4 stars; one submission).

Conditions:
Familial adenomatous polyposis 1 (FAP1). Also called: POLYPOSIS, ADENOMATOUS INTESTINAL; FAMILIAL ADENOMATOUS POLYPOSIS 1, ATTENUATED. Identifiers: MedGen C2713442, MONDO:0021056, OMIM 175100. Disease mechanism: loss of function.

Submission:

Labcorp Genetics (formerly Invitae), Labcorp
Classification: Uncertain significance for Familial adenomatous polyposis 1. Last evaluated: 2025-10-04. Review status: criteria provided, single submitter. Criteria: Invitae Variant Classification Sherloc (09022015). Collection method: clinical testing. Allele origin: germline.
Comment: This sequence change replaces serine, which is neutral and polar, with proline, which is neutral and non-polar, at codon 987 of the APC protein (p.Ser987Pro). This variant is not present in population databases (gnomAD no frequency). This variant has not been reported in the literature in individuals affected with APC-related conditions. ClinVar contains an entry for this variant (Variation ID: 2131915). Invitae Evidence Modeling of protein sequence and biophysical properties (such as structural, functional, and spatial information, amino acid conservation, physicochemical variation, residue mobility, and thermodynamic stability) indicates that this missense variant is not expected to disrupt APC protein function with a negative predictive value of 95%. In summary, the available evidence is currently insufficient to determine the role of this variant in disease. Therefore, it has been classified as a Variant of Uncertain Significance.